The following is an entry in ClinVar:

NM_001376.5(DYNC1H1):c.2807T>G (p.Val936Gly)

Gene: DYNC1H1 (dynein cytoplasmic 1 heavy chain 1; plus strand). Cytogenetic location: 14q32.31.
Variant type: single nucleotide variant.
Coding change: c.2807T>G on transcript NM_001376.5 (MANE Select); coding-DNA position 2807, T replaced by G.
Protein change: p.Val936Gly; replaces valine 936 with glycine.
Molecular consequence: missense variant.
Genome position (GRCh38, 1-based): chr14:101,988,791, T>G. VCF-style: chr14-101988791-T-G. GRCh37 (hg19) VCF-style: chr14-102455128-T-G.
Other names: short protein forms V936G.
Identifiers: ClinVar variation 1796279 (VCV001796279.2), dbSNP rs2047964203, ClinGen allele CA391028773.

ClinVar aggregate classification (germline): Uncertain significance (1 of 4 stars; one submission).

Conditions:
Inborn genetic diseases. Identifiers: MedGen C0950123, MeSH D030342.

Allele frequency attached by ClinVar (database versions not stated): gnomAD 0.00001; TOPMed 0.00001.
gnomAD v4.1: 1 of 1,614,082 alleles (0.000062%); highest among the groups gnomAD compares: Non-Finnish European, 0.000085%; no homozygotes.

Submission:

Ambry Genetics
Classification: Uncertain significance for Inborn genetic diseases. Last evaluated: 2020-10-08. Review status: criteria provided, single submitter. Criteria: Ambry Variant Classification Scheme 2023. Collection method: clinical testing. Allele origin: germline.
Comment: The p.V936G variant (also known as c.2807T>G), located in coding exon 10 of the DYNC1H1 gene, results from a T to G substitution at nucleotide position 2807. The valine at codon 936 is replaced by glycine, an amino acid with dissimilar properties. This amino acid position is highly conserved in available vertebrate species. In addition, this alteration is predicted to be tolerated by in silico analysis. Since supporting evidence is limited at this time, the clinical significance of this alteration remains unclear.